The following is an entry in ClinVar:

NM_006904.7(PRKDC):c.2785G>A (p.Ala929Thr)

Gene: PRKDC (protein kinase, DNA-activated, catalytic subunit; minus strand). Cytogenetic location: 8q11.21.
Variant type: single nucleotide variant.
Coding change: c.2785G>A on transcript NM_006904.7 (MANE Select); coding-DNA position 2785, G replaced by A.
Protein change: p.Ala929Thr; replaces alanine 929 with threonine.
Molecular consequence: missense variant.
Genome position (GRCh38, 1-based): chr8:47,912,559, C>T on the plus strand (G>A on the coding strand, the complement: PRKDC is on the minus strand). VCF-style: chr8-47912559-C-T. GRCh37 (hg19) VCF-style: chr8-48825119-C-T.
Other names: c.2785G>A, p.Ala929Thr (NM_001081640.2); short protein forms A929T.
Identifiers: ClinVar variation 2564542 (VCV002564542.2), dbSNP rs2551876680, ClinGen allele CA371158986.

ClinVar aggregate classification (germline): Uncertain significance (1 of 4 stars; one submission).

Allele frequency attached by ClinVar (database versions not stated): gnomAD exomes below 0.00001.
gnomAD v4.1: 1 of 1,596,806 alleles (0.000063%); highest among the groups gnomAD compares: Non-Finnish European, 0.000085%; no homozygotes.

Submission:

Ambry Genetics
Classification: Uncertain significance. Last evaluated: 2023-04-28. Review status: criteria provided, single submitter. Criteria: Ambry Variant Classification Scheme 2023. Collection method: clinical testing. Allele origin: germline.
Comment: The p.A929T variant (also known as c.2785G>A), located in coding exon 25 of the PRKDC gene, results from a G to A substitution at nucleotide position 2785. The alanine at codon 929 is replaced by threonine, an amino acid with similar properties. This amino acid position is conserved. In addition, this alteration is predicted to be tolerated by in silico analysis. Since supporting evidence is limited at this time, the clinical significance of this alteration remains unclear.